The following is an entry in ClinVar:

NM_004385.5(VCAN):c.964G>A (p.Val322Met)

Gene: VCAN (versican; plus strand). Cytogenetic location: 5q14.3.
Variant type: single nucleotide variant.
Coding change: c.964G>A on transcript NM_004385.5 (MANE Select); coding-DNA position 964, G replaced by A.
Protein change: p.Val322Met; replaces valine 322 with methionine.
Molecular consequence: missense variant.
Genome position (GRCh38, 1-based): chr5:83,512,318, G>A. VCF-style: chr5-83512318-G-A. GRCh37 (hg19) VCF-style: chr5-82808137-G-A.
Other names: c.964G>A, p.Val322Met (NM_001126336.3, NM_001164097.2, NM_001164098.2); short protein forms V322M.
Identifiers: ClinVar variation 4713833 (VCV004713833.1).
Genomic context (GRCh38, chr5:83,512,318, plus strand): 5'-GCCAGCGTGCGCCACCCTGTGACTGTGGCCAGGGCCCAGTGTGGAGGTGGTCTACTTGGG[G>A]TGAGAACCCTGTATCGTTTTGAGAACCAGACAGGCTTCCCTCCCCCTGATAGCAGATTTG-3'
Protein context (NP_004376.2, residues 312-332): RAQCGGGLLG[Val322Met]RTLYRFENQT

ClinVar aggregate classification (germline): Uncertain significance (1 of 4 stars; one submission).

Submission:

Labcorp Genetics (formerly Invitae), Labcorp
Classification: Uncertain significance. Last evaluated: 2025-02-25. Review status: criteria provided, single submitter. Criteria: Invitae Variant Classification Sherloc (09022015). Collection method: clinical testing. Allele origin: germline.
Comment: This sequence change replaces valine, which is neutral and non-polar, with methionine, which is neutral and non-polar, at codon 322 of the VCAN protein (p.Val322Met). This variant is present in population databases (no rsID available, gnomAD 0.003%). This variant has not been reported in the literature in individuals affected with VCAN-related conditions. An algorithm developed to predict the effect of missense changes on protein structure and function (PolyPhen-2) suggests that this variant is likely to be disruptive. In summary, the available evidence is currently insufficient to determine the role of this variant in disease. Therefore, it has been classified as a Variant of Uncertain Significance.